The following is an entry in ClinVar:

NM_199420.4(POLQ):c.5346C>A (p.Asn1782Lys)

Gene: POLQ (DNA polymerase theta; minus strand). Cytogenetic location: 3q13.33.
Variant type: single nucleotide variant.
Coding change: c.5346C>A on transcript NM_199420.4 (MANE Select); coding-DNA position 5346, C replaced by A.
Protein change: p.Asn1782Lys; replaces asparagine 1782 with lysine.
Molecular consequence: missense variant.
Genome position (GRCh38, 1-based): chr3:121,487,585, G>T on the plus strand (C>A on the coding strand, the complement: POLQ is on the minus strand). VCF-style: chr3-121487585-G-T. GRCh37 (hg19) VCF-style: chr3-121206432-G-T.
Other names: short protein forms N1782K.
Identifiers: ClinVar variation 3230051 (VCV003230051.1), dbSNP rs908319895, ClinGen allele CA81833074.
Genomic context (GRCh38, chr3:121,487,585, plus strand): 5'-TGTGTCACTAATAGGGCTGTTGTCTTTGAACCCATTTCTACTCCCTGGACTTAAATCGTG[G>T]TTTTTAATATCTGAAGGTGAGCCAAATAAATAACTTTCACCAGGTTGTAAAACATTATTA-3'
Protein context (NP_955452.3, residues 1772-1792): YLFGSPSDIK[Asn1782Lys]HDLSPGSRNG

ClinVar aggregate classification (germline): Uncertain significance (1 of 4 stars; one submission).

Submission:

Ambry Genetics
Classification: Uncertain significance. Last evaluated: 2024-02-23. Review status: criteria provided, single submitter. Criteria: Ambry Variant Classification Scheme 2023. Collection method: clinical testing. Allele origin: germline.
Comment: The p.N1782K variant (also known as c.5346C>A), located in coding exon 16 of the POLQ gene, results from a C to A substitution at nucleotide position 5346. The asparagine at codon 1782 is replaced by lysine, an amino acid with similar properties. This amino acid position is conserved. In addition, this alteration is predicted to be tolerated by in silico analysis. Based on the available evidence, the clinical significance of this alteration remains unclear.